The following is an entry in ClinVar:

NM_015214.3(DDHD2):c.707A>C (p.Gln236Pro)

Gene: DDHD2 (DDHD domain containing 2; plus strand). Cytogenetic location: 8p11.23.
Variant type: single nucleotide variant.
Coding change: c.707A>C on transcript NM_015214.3 (MANE Select); coding-DNA position 707, A replaced by C.
Protein change: p.Gln236Pro; replaces glutamine 236 with proline.
Molecular consequence: missense variant. On other transcripts: non-coding transcript variant (2), intron variant (1).
Genome position (GRCh38, 1-based): chr8:38,240,359, A>C. VCF-style: chr8-38240359-A-C. GRCh37 (hg19) VCF-style: chr8-38097877-A-C.
Other names: c.707A>C, p.Gln236Pro (NM_001164232.2, NM_001362911.2, NM_001362912.2 and 1 more transcripts); c.623-1891A>C (NM_001362913.2); c.707A>C (NM_015214.2); short protein forms Q236P.
Identifiers: ClinVar variation 2053143 (VCV002053143.2), dbSNP rs750032971, ClinGen allele CA4716063.
Genomic context (GRCh38, chr8:38,240,359, plus strand): 5'-TGGTTTTTGTAGTCCATGGGATTGGACCAGCTTGTGATCTCCGCTTTCGAAGCATTGTAC[A>C]GTGTGGTAGGTTTGCAAAGCATGTGAGAGAATATTAATCAGTGCTCTTGTGAGCTGAGAT-3'
Protein context (NP_056029.2, residues 226-246): ACDLRFRSIV[Gln236Pro]CVNDFRSVSL

ClinVar aggregate classification (germline): Uncertain significance. Review status: criteria provided, multiple submitters, no conflicts (2 of 4 stars). 2 submissions from 2 submitters: Uncertain significance (2). Last evaluated 2024-05-02.

Conditions:
Hereditary spastic paraplegia 54. Also called: Spastic paraplegia 54, autosomal recessive. Identifiers: Orphanet 320380, MedGen C3539495, MONDO:0014018, OMIM 615033.
Inborn genetic diseases. Identifiers: MedGen C0950123, MeSH D030342.

Allele frequency attached by ClinVar (database versions not stated): ExAC 0.00008.
gnomAD v4.1: 54 of 1,602,598 alleles (0.0034%); highest among the groups gnomAD compares: South Asian, 0.043%; 1 homozygote.

Submissions (2):

Ambry Genetics
Classification: Uncertain significance for Inborn genetic diseases. Last evaluated: 2024-05-02. Review status: criteria provided, single submitter. Criteria: Ambry Variant Classification Scheme 2023. Collection method: clinical testing. Allele origin: germline.

Labcorp Genetics (formerly Invitae), Labcorp
Classification: Uncertain significance for Hereditary spastic paraplegia 54. Last evaluated: 2022-06-16. Review status: criteria provided, single submitter. Criteria: Invitae Variant Classification Sherloc (09022015). Collection method: clinical testing. Allele origin: germline.
Comment: This sequence change replaces glutamine, which is neutral and polar, with proline, which is neutral and non-polar, at codon 236 of the DDHD2 protein (p.Gln236Pro). This variant is present in population databases (rs750032971, gnomAD 0.05%). This variant has not been reported in the literature in individuals affected with DDHD2-related conditions. Algorithms developed to predict the effect of missense changes on protein structure and function are either unavailable or do not agree on the potential impact of this missense change (SIFT: "Deleterious"; PolyPhen-2: "Probably Damaging"; Align-GVGD: "Class C0"). In summary, the available evidence is currently insufficient to determine the role of this variant in disease. Therefore, it has been classified as a Variant of Uncertain Significance.